The following is an entry in ClinVar:

NM_000264.5(PTCH1):c.239G>C (p.Arg80Thr)

Gene: PTCH1 (patched 1; minus strand). Cytogenetic location: 9q22.32.
Variant type: single nucleotide variant.
Coding change: c.239G>C on transcript NM_000264.5 (MANE Select); coding-DNA position 239, G replaced by C.
Protein change: p.Arg80Thr; replaces arginine 80 with threonine.
Molecular consequence: missense variant. On other transcripts: 5 prime UTR variant (4), non-coding transcript variant (1).
Genome position (GRCh38, 1-based): chr9:95,506,562, C>G on the plus strand (G>C on the coding strand, the complement: PTCH1 is on the minus strand). VCF-style: chr9-95506562-C-G. GRCh37 (hg19) VCF-style: chr9-98268844-C-G.
Other names: c.41G>C, p.Arg14Thr (NM_001083602.3, NM_001354919.2); c.236G>C, p.Arg79Thr (NM_001083603.3); c.-215G>C (NM_001083604.3, NM_001083605.3, NM_001083606.3 and 1 more transcripts); c.239G>C, p.Arg80Thr (NM_001354918.2); short protein forms R14T, R80T, R79T.
Identifiers: ClinVar variation 1790690 (VCV001790690.8), dbSNP rs1192030415, ClinGen allele CA374120606.

ClinVar aggregate classification (germline): Conflicting classifications of pathogenicity. Review status: criteria provided, conflicting classifications (1 of 4 stars). 2 submissions from 2 submitters: Uncertain significance (1); Likely benign (1). Last evaluated 2025-09-26.

Conditions:
Gorlin syndrome. Also called: Basal cell nevus syndrome; Nevoid Basal Cell Carcinoma Syndrome. Identifiers: Orphanet 377, MedGen C0004779, MONDO:0007187.
Hereditary cancer-predisposing syndrome. Also called: Neoplastic Syndromes, Hereditary; Tumor predisposition; Hereditary neoplastic syndrome; Hereditary Cancer Syndrome. Identifiers: Orphanet 140162, MedGen C0027672, MeSH D009386, MONDO:0015356.

Allele frequency attached by ClinVar (database versions not stated): gnomAD 0.00001; TOPMed 0.00002.
gnomAD v4.1: 2 of 1,612,968 alleles (0.00012%); highest among the groups gnomAD compares: African/African-American, 0.0013%; no homozygotes.

Submissions (2):

Ambry Genetics
Classification: Uncertain significance for Hereditary cancer-predisposing syndrome. Last evaluated: 2025-09-26. Review status: criteria provided, single submitter. Criteria: Ambry Variant Classification Scheme 2023. Collection method: clinical testing. Allele origin: germline.
Comment: The p.R80T variant (also known as c.239G>C), located in coding exon 2 of the PTCH1 gene, results from a G to C substitution at nucleotide position 239. The arginine at codon 80 is replaced by threonine, an amino acid with similar properties. This amino acid position is conserved. In addition, this alteration is predicted to be deleterious by in silico analysis. Since supporting evidence is limited at this time, the clinical significance of this alteration remains unclear.

Labcorp Genetics (formerly Invitae), Labcorp
Classification: Likely benign for Gorlin syndrome. Last evaluated: 2024-07-30. Review status: criteria provided, single submitter. Criteria: Invitae Variant Classification Sherloc (09022015). Collection method: clinical testing. Allele origin: germline.